The following is an entry in ClinVar:

NM_019032.6(ADAMTSL4):c.2629G>A (p.Gly877Arg)

Gene: ADAMTSL4 (ADAMTS like 4; plus strand). Cytogenetic location: 1q21.2.
Variant type: single nucleotide variant.
Coding change: c.2629G>A on transcript NM_019032.6 (MANE Select); coding-DNA position 2629, G replaced by A.
Protein change: p.Gly877Arg; replaces glycine 877 with arginine.
Molecular consequence: missense variant.
Genome position (GRCh38, 1-based): chr1:150,559,031, G>A. VCF-style: chr1-150559031-G-A. GRCh37 (hg19) VCF-style: chr1-150531507-G-A.
Other names: c.2512G>A, p.Gly838Arg (NM_001288607.2); c.2698G>A, p.Gly900Arg (NM_001288608.2); c.2629G>A, p.Gly877Arg (NM_001378596.1); c.2629G>A (NM_019032.4); short protein forms G877R, G838R, G900R.
Identifiers: ClinVar variation 1447397 (VCV001447397.5), dbSNP rs372151785, ClinGen allele CA1078791.

ClinVar aggregate classification (germline): Uncertain significance. Review status: criteria provided, multiple submitters, no conflicts (2 of 4 stars). 2 submissions from 2 submitters: Uncertain significance (2). Last evaluated 2025-09-26.

Conditions:
Inborn genetic diseases. Identifiers: MedGen C0950123, MeSH D030342.

Allele frequency attached by ClinVar (database versions not stated): ESP Exome Variant Server 0.00008; gnomAD 0.00011 and 0.00014; 1000 Genomes Project 0.00020; 1000 Genomes Project 30x 0.00031.
gnomAD v4.1: 155 of 1,612,120 alleles (0.0096%); highest among the groups gnomAD compares: East Asian, 0.056%; no homozygotes.

Submissions (2):

Labcorp Genetics (formerly Invitae), Labcorp
Classification: Uncertain significance. Last evaluated: 2025-09-26. Review status: criteria provided, single submitter. Criteria: Invitae Variant Classification Sherloc (09022015). Collection method: clinical testing. Allele origin: germline.
Comment: This sequence change replaces glycine, which is neutral and non-polar, with arginine, which is basic and polar, at codon 877 of the ADAMTSL4 protein (p.Gly877Arg). This variant is present in population databases (rs372151785, gnomAD 0.06%). This variant has not been reported in the literature in individuals affected with ADAMTSL4-related conditions. ClinVar contains an entry for this variant (Variation ID: 1447397). Invitae Evidence Modeling of protein sequence and biophysical properties (such as structural, functional, and spatial information, amino acid conservation, physicochemical variation, residue mobility, and thermodynamic stability) indicates that this missense variant is not expected to disrupt ADAMTSL4 protein function with a negative predictive value of 80%. In summary, the available evidence is currently insufficient to determine the role of this variant in disease. Therefore, it has been classified as a Variant of Uncertain Significance.

Ambry Genetics
Classification: Uncertain significance for Inborn genetic diseases. Last evaluated: 2021-06-22. Review status: criteria provided, single submitter. Criteria: Ambry Variant Classification Scheme 2023. Collection method: clinical testing. Allele origin: germline.